The following is an entry in ClinVar:

NM_005198.5(CHKB):c.702G>A (p.Ser234=)

Genes: CHKB (choline kinase beta; minus strand), CHKB-CPT1B (CHKB-CPT1B readthrough (NMD candidate); minus strand). Cytogenetic location: 22q13.33.
Variant type: single nucleotide variant.
Coding change: c.702G>A on transcript NM_005198.5 (MANE Select); coding-DNA position 702, G replaced by A.
Protein change: p.Ser234=; no amino-acid change (serine 234 retained).
Molecular consequence: synonymous variant. On other transcripts: non-coding transcript variant (1).
Genome position (GRCh38, 1-based): chr22:50,580,392, C>T on the plus strand (G>A on the coding strand, the complement: CHKB is on the minus strand). VCF-style: chr22-50580392-C-T. GRCh37 (hg19) VCF-style: chr22-51018821-C-T.
Identifiers: ClinVar variation 389398 (VCV000389398.33), dbSNP rs139952595, ClinGen allele CA10323674.

ClinVar aggregate classification (germline): Likely benign. Review status: criteria provided, multiple submitters, no conflicts (2 of 4 stars). 3 submissions from 3 submitters: Likely benign (3). Last evaluated 2024-10-26.

Conditions:
Megaconial type congenital muscular dystrophy (MDCMC). Also called: MUSCULAR DYSTROPHY, CONGENITAL, WITH MITOCHONDRIAL STRUCTURAL ABNORMALITIES; CHKB-Related Muscular Dystrophy; CHKB-Related Muscle Diseases. Identifiers: Orphanet 280671, MedGen C1865233, MONDO:0011246, OMIM 602541.

Allele frequency attached by ClinVar (database versions not stated): gnomAD exomes 0.00001; ExAC 0.00002; gnomAD 0.00002; TOPMed 0.00005; ESP Exome Variant Server 0.00008.

Submissions (3):

Labcorp Genetics (formerly Invitae), Labcorp
Classification: Likely benign for Megaconial type congenital muscular dystrophy. Last evaluated: 2024-10-26. Review status: criteria provided, single submitter. Criteria: Invitae Variant Classification Sherloc (09022015). Collection method: clinical testing. Allele origin: germline.

CeGaT Center for Human Genetics Tuebingen
Classification: Likely benign. Last evaluated: 2022-11-01. Review status: criteria provided, single submitter. Criteria: CeGaT Center For Human Genetics Tuebingen Variant Classification Criteria Version 2. Collection method: clinical testing. Allele origin: germline. Affected: yes. Observed: 1 variant allele.
Comment: CHKB: BP4, BP7

GeneDx
Classification: Likely benign. Last evaluated: 2016-10-04. Review status: criteria provided, single submitter. Criteria: GeneDx Variant Classification (06012015). Collection method: clinical testing. Allele origin: germline. Affected: yes.
Comment: This variant is considered likely benign or benign based on one or more of the following criteria: it is a conservative change, it occurs at a poorly conserved position in the protein, it is predicted to be benign by multiple in silico algorithms, and/or has population frequency not consistent with disease.